The following is an entry in ClinVar:

NM_015662.3(IFT172):c.2431C>G (p.Leu811Val)

Gene: IFT172 (intraflagellar transport 172; minus strand). Cytogenetic location: 2p23.3.
Variant type: single nucleotide variant.
Coding change: c.2431C>G on transcript NM_015662.3 (MANE Select); coding-DNA position 2431, C replaced by G.
Protein change: p.Leu811Val; replaces leucine 811 with valine.
Molecular consequence: missense variant.
Genome position (GRCh38, 1-based): chr2:27,461,280, G>C on the plus strand (C>G on the coding strand, the complement: IFT172 is on the minus strand). VCF-style: chr2-27461280-G-C. GRCh37 (hg19) VCF-style: chr2-27684147-G-C.
Other names: short protein forms L811V.
Identifiers: ClinVar variation 1403055 (VCV001403055.4), dbSNP rs933347695, ClinGen allele CA346383910.
Genomic context (GRCh38, chr2:27,461,280, plus strand): 5'-AGGGTCCTGAGCTCTGGAGATAAGGGCTAGGAAAAGGAAGCCAGCATACCCTTTCGTAGA[G>C]TTCCCCCTTGATAAGGGCTGCAGTGATGTGTTCTACCAGCTCTGTGTTGGCTAGCAGTTC-3'
Protein context (NP_056477.1, residues 801-821): HITAALIKGE[Leu811Val]YERAGDLFEK

ClinVar aggregate classification (germline): Uncertain significance (1 of 4 stars; one submission).

Conditions:
Short-rib thoracic dysplasia 10 with or without polydactyly (SRTD10). Identifiers: Orphanet 474, MedGen C3810175, MONDO:0014284, OMIM 615630.
Retinitis pigmentosa 71 (RP71). Identifiers: Orphanet 791, MedGen C4225342, MONDO:0014618, OMIM 616394.

Allele frequency attached by ClinVar (database versions not stated): gnomAD exomes below 0.00001.
gnomAD v4.1: 3 of 1,613,996 alleles (0.00019%); highest among the groups gnomAD compares: Non-Finnish European, 0.00025%; no homozygotes.

Submission:

Labcorp Genetics (formerly Invitae), Labcorp
Classification: Uncertain significance for Retinitis pigmentosa 71; Short-rib thoracic dysplasia 10 with or without polydactyly. Last evaluated: 2021-08-19. Review status: criteria provided, single submitter. Criteria: Invitae Variant Classification Sherloc (09022015). Collection method: clinical testing. Allele origin: germline.
Comment: This sequence change replaces leucine with valine at codon 811 of the IFT172 protein (p.Leu811Val). The leucine residue is highly conserved and there is a small physicochemical difference between leucine and valine. This variant is not present in population databases (ExAC no frequency). This variant has not been reported in the literature in individuals affected with IFT172-related conditions. Algorithms developed to predict the effect of missense changes on protein structure and function are either unavailable or do not agree on the potential impact of this missense change (SIFT: "Deleterious"; PolyPhen-2: "Possibly Damaging"; Align-GVGD: "Class C0"). In summary, the available evidence is currently insufficient to determine the role of this variant in disease. Therefore, it has been classified as a Variant of Uncertain Significance.